The following is an entry in ClinVar:

ClinVar aggregate classification (germline): Conflicting classifications of pathogenicity. Review status: criteria provided, conflicting classifications (1 of 4 stars). 2 submissions from 2 submitters: Likely pathogenic (1); Uncertain significance (1). Last evaluated 2022-06-05.

Submissions (2):

Labcorp Genetics (formerly Invitae), Labcorp
Classification: Uncertain significance. Last evaluated: 2022-06-05. Review status: criteria provided, single submitter. Criteria: Invitae Variant Classification Sherloc (09022015). Collection method: clinical testing. Allele origin: germline.
Comment: This missense change has been observed in individual(s) with cerebral arteriopathy with subcortical infarcts and leukoencephalopathy (PMID: 32582863). In summary, the available evidence is currently insufficient to determine the role of this variant in disease. Therefore, it has been classified as a Variant of Uncertain Significance. Advanced modeling of protein sequence and biophysical properties (such as structural, functional, and spatial information, amino acid conservation, physicochemical variation, residue mobility, and thermodynamic stability) performed at Invitae indicates that this missense variant is expected to disrupt NOTCH3 protein function. ClinVar contains an entry for this variant (Variation ID: 993757). This variant is not present in population databases (gnomAD no frequency). This sequence change replaces tryptophan, which is neutral and slightly polar, with cysteine, which is neutral and slightly polar, at codon 1028 of the NOTCH3 protein (p.Trp1028Cys).

ARUP Laboratories, Molecular Genetics and Genomics, ARUP Laboratories
Classification: Likely pathogenic. Last evaluated: 2019-08-25. Review status: criteria provided, single submitter. Criteria: ARUP Molecular Germline Variant Investigation Process. Collection method: clinical testing. Allele origin: germline.
Comment: The NOTCH3 c.3084G>C; p.Trp1028Cys variant, to our knowledge, is not reported in the medical literature or gene specific databases. However, a different nucleotide change (c.3084G>T) causing the same Trp1028Cys alteration, is reported in the literature in an individual with CADASIL (Testi 2012 Supplemental Table 4, Viana-Baptista 2007). The p.Trp1028Cys variant is absent from general population databases (Exome Variant Server, Genome Aggregation Database), indicating it is not a common polymorphism. The tryptophan at codon 1028 is a highly conserved residue within an EGF-like calcium-binding domain, and computational analyses (SIFT, PolyPhen-2) predict that this variant is deleterious. Furthermore, most pathogenic NOTCH3 variants occur in exons 2-24 and either create or destroy a cysteine residue within an EGF-like domain (Rutten 2014). Based on available information, this variant is considered to be likely pathogenic. REFERENCES Rutten JW et al. Interpretation of NOTCH3 mutations in the diagnosis of CADASIL. Expert Rev Mol Diagn. 2014 Jun;14(5):593-603. Testi S et al. Mutational and haplotype map of NOTCH3 in a cohort of Italian patients with cerebral autosomal dominant arteriopathy with subcortical infarcts and leukoencephalopathy (CADASIL). J Neurol Sci. 2012 Aug 15;319(1-2):37-41. Viana-Baptista et al. Cerebrovasc Dis. 2007. 23S2 75. Accessed online

Literature cited by the submitters: PubMed 32582863 (cited by Labcorp Genetics (formerly Invitae), Labcorp).

NM_000435.3(NOTCH3):c.3084G>C (p.Trp1028Cys)

Gene: NOTCH3 (notch receptor 3; minus strand). Cytogenetic location: 19p13.12.
Variant type: single nucleotide variant.
Coding change: c.3084G>C on transcript NM_000435.3 (MANE Select); coding-DNA position 3084, G replaced by C.
Protein change: p.Trp1028Cys; replaces tryptophan 1028 with cysteine.
Molecular consequence: missense variant.
Genome position (GRCh38, 1-based): chr19:15,180,739, C>G on the plus strand (G>C on the coding strand, the complement: NOTCH3 is on the minus strand). VCF-style: chr19-15180739-C-G. GRCh37 (hg19) VCF-style: chr19-15291550-C-G.
Other names: short protein forms W1028C.
Identifiers: ClinVar variation 993757 (VCV000993757.16), dbSNP rs2046832726, ClinGen allele CA404514235.
Genomic context (GRCh38, chr19:15,180,739, plus strand): 5'-ACCGATCTGGGCTGCGGCCTCCCTGCAGGGCAAGCTTCGGATGTCACAGAGGCGTCCGCT[C>G]CATCCAGGGGGACAAAGGCAATAGGCCCCAGTCTGGACGCAGCGACCCCCGTTTTGACAA-3'
Protein context (NP_000426.2, residues 1018-1038): TGAYCLCPPG[Trp1028Cys]SGRLCDIRSL